The following is an entry in ClinVar:

ClinVar aggregate classification (germline): Uncertain significance. Review status: criteria provided, multiple submitters, no conflicts (2 of 4 stars). 3 submissions from 3 submitters: Uncertain significance (3). Last evaluated 2025-12-01.

Conditions:
Inborn genetic diseases. Identifiers: MedGen C0950123, MeSH D030342.

Allele frequency attached by ClinVar (database versions not stated): TOPMed 0.00001; gnomAD 0.00003; gnomAD exomes 0.00003; ExAC 0.00004; 1000 Genomes Project 30x 0.00016; 1000 Genomes Project 0.00020.
gnomAD v4.1: 47 of 1,612,436 alleles (0.0029%); highest among the groups gnomAD compares: South Asian, 0.023%; no homozygotes.

Submissions (3):

CeGaT Center for Human Genetics Tuebingen
Classification: Uncertain significance. Last evaluated: 2025-12-01. Review status: criteria provided, single submitter. Criteria: CeGaT Center For Human Genetics Tuebingen Variant Classification Criteria Version 2. Collection method: clinical testing. Allele origin: germline. Affected: yes. Observed: 1 variant allele.
Comment: VPS13A: PM2

Ambry Genetics
Classification: Uncertain significance for Inborn genetic diseases. Last evaluated: 2025-11-24. Review status: criteria provided, single submitter. Criteria: Ambry Variant Classification Scheme 2023. Collection method: clinical testing. Allele origin: germline.

Labcorp Genetics (formerly Invitae), Labcorp
Classification: Uncertain significance. Last evaluated: 2024-05-08. Review status: criteria provided, single submitter. Criteria: Invitae Variant Classification Sherloc (09022015). Collection method: clinical testing. Allele origin: germline.
Comment: This sequence change replaces threonine, which is neutral and polar, with methionine, which is neutral and non-polar, at codon 963 of the VPS13A protein (p.Thr963Met). This variant is present in population databases (rs577694390, gnomAD 0.01%). This variant has not been reported in the literature in individuals affected with VPS13A-related conditions. ClinVar contains an entry for this variant (Variation ID: 2196237). An algorithm developed to predict the effect of missense changes on protein structure and function (PolyPhen-2) suggests that this variant is likely to be disruptive. In summary, the available evidence is currently insufficient to determine the role of this variant in disease. Therefore, it has been classified as a Variant of Uncertain Significance.

NM_033305.3(VPS13A):c.2888C>T (p.Thr963Met)

Gene: VPS13A (vacuolar protein sorting 13 homolog A; plus strand). Cytogenetic location: 9q21.2.
Variant type: single nucleotide variant.
Coding change: c.2888C>T on transcript NM_033305.3 (MANE Select); coding-DNA position 2888, C replaced by T.
Protein change: p.Thr963Met; replaces threonine 963 with methionine.
Molecular consequence: missense variant.
Genome position (GRCh38, 1-based): chr9:77,280,222, C>T. VCF-style: chr9-77280222-C-T. GRCh37 (hg19) VCF-style: chr9-79895138-C-T.
Other names: c.2888C>T, p.Thr963Met (NM_001018037.2, NM_001018038.3, NM_015186.4); c.2888C>T (NM_033305.2); short protein forms T963M.
Identifiers: ClinVar variation 2196237 (VCV002196237.7), dbSNP rs577694390, ClinGen allele CA5092076.
Genomic context (GRCh38, chr9:77,280,222, plus strand): 5'-AAAACAAGAAACCAGTTTATTTGGTTACAACCCTGGATAACACAATGGAAGACCTGTTAA[C>T]GCTGGAATATGTAAAGGTAAGCAGTTTCATTTATATCTGCTTAATATGGTAAGTATGCTG-3'
Protein context (NP_150648.2, residues 953-973): TLDNTMEDLL[Thr963Met]LEYVKAEKNV